The following is an entry in ClinVar:

ClinVar aggregate classification (germline): Uncertain significance (1 of 4 stars; one submission).

Conditions:
Hereditary cancer-predisposing syndrome. Also called: Neoplastic Syndromes, Hereditary; Tumor predisposition; Hereditary Cancer Syndrome; Hereditary neoplastic syndrome. Identifiers: Orphanet 140162, MedGen C0027672, MeSH D009386, MONDO:0015356.

Submission:

Ambry Genetics
Classification: Uncertain significance for Hereditary cancer-predisposing syndrome. Last evaluated: 2022-05-14. Review status: criteria provided, single submitter. Criteria: Ambry Variant Classification Scheme 2023. Collection method: clinical testing. Allele origin: germline.
Comment: The p.Q100P variant (also known as c.299A>C), located in coding exon 2 of the BLM gene, results from an A to C substitution at nucleotide position 299. The glutamine at codon 100 is replaced by proline, an amino acid with similar properties. This amino acid position is conserved. In addition, this alteration is predicted to be tolerated by in silico analysis. Since supporting evidence is limited at this time, the clinical significance of this alteration remains unclear.

NM_000057.4(BLM):c.299A>C (p.Gln100Pro)

Gene: BLM (BLM RecQ like helicase; plus strand). Cytogenetic location: 15q26.1.
Variant type: single nucleotide variant.
Coding change: c.299A>C on transcript NM_000057.4 (MANE Select); coding-DNA position 299, A replaced by C.
Protein change: p.Gln100Pro; replaces glutamine 100 with proline.
Molecular consequence: missense variant. On other transcripts: 5 prime UTR variant (1).
Genome position (GRCh38, 1-based): chr15:90,749,567, A>C. VCF-style: chr15-90749567-A-C. GRCh37 (hg19) VCF-style: chr15-91292797-A-C.
Other names: c.299A>C, p.Gln100Pro (NM_001287246.2, NM_001287247.2); c.-993A>C (NM_001287248.2); short protein forms Q100P.
Identifiers: ClinVar variation 1798604 (VCV001798604.2), dbSNP rs1201949546, ClinGen allele CA393840188.